The following is an entry in ClinVar:

NM_001349253.2(SCN11A):c.2416_2418del (p.Phe806del)

Gene: SCN11A (sodium voltage-gated channel alpha subunit 11; minus strand). Cytogenetic location: 3p22.2.
Variant type: Deletion.
Coding change: c.2416_2418del on transcript NM_001349253.2 (MANE Select); coding-DNA positions 2416 to 2418, 3 bases deleted (TTC; older notation c.2416_2418delTTC).
Protein change: p.Phe806del; deletes phenylalanine 806.
Molecular consequence: inframe deletion.
Genome position (GRCh38, 1-based): chr3:38,894,950-38,894,952, GAA deleted on the plus strand (TTC on the coding strand, the reverse complement: SCN11A is on the minus strand); deleting any 3 consecutive bases within chr3:38,894,950-38,894,954 gives the same sequence; the c. name uses the placement nearest the transcript's 3' end. VCF-style (leftmost placement, unchanged base first): chr3-38894949-TGAA-T. GRCh37 (hg19) VCF-style: chr3-38936440-TGAA-T.
Other names: c.2416_2418delTTC (NM_014139.2); c.2416_2418del, p.Phe806del (NM_014139.3); short protein forms F806del.
Identifiers: ClinVar variation 1461453 (VCV001461453.7), dbSNP rs761708451, ClinGen allele CA2322037.

ClinVar aggregate classification (germline): Uncertain significance. Review status: criteria provided, multiple submitters, no conflicts (2 of 4 stars). 2 submissions from 2 submitters: Uncertain significance (2). Last evaluated 2023-04-14.

Conditions:
Hereditary sensory and autonomic neuropathy type 7. Also called: Neuropathy, hereditary sensory and autonomic, type VII; HSAN VII. Identifiers: Orphanet 391397, MedGen C3809882, MONDO:0014244, OMIM 615548.
Familial episodic pain syndrome with predominantly lower limb involvement. Also called: Episodic pain syndrome, familial, 3. Identifiers: Orphanet 391384, Orphanet 391392, MedGen C3809899, MONDO:0014247, OMIM 615552.
Inborn genetic diseases. Identifiers: MedGen C0950123, MeSH D030342.

Submissions (2):

Ambry Genetics
Classification: Uncertain significance for Inborn genetic diseases. Last evaluated: 2023-04-14. Review status: criteria provided, single submitter. Criteria: Ambry Variant Classification Scheme 2023. Collection method: clinical testing. Allele origin: germline.
Comment: The c.2416_2418delTTC (p.F806del) alteration is located in exon 15 (coding exon 15) of the SCN11A gene. This alteration consists of an in-frame deletion of 3 nucleotides between nucleotide positions c.2416 and c.2418, resulting in the deletion of <NA> residues. Based on insufficient or conflicting evidence, the clinical significance of this alteration remains unclear.

Labcorp Genetics (formerly Invitae), Labcorp
Classification: Uncertain significance for Familial episodic pain syndrome with predominantly lower limb involvement; Hereditary sensory and autonomic neuropathy type 7. Last evaluated: 2022-11-16. Review status: criteria provided, single submitter. Criteria: Invitae Variant Classification Sherloc (09022015). Collection method: clinical testing. Allele origin: germline.
Comment: This variant, c.2416_2418del, results in the deletion of 1 amino acid(s) of the SCN11A protein (p.Phe806del), but otherwise preserves the integrity of the reading frame. In summary, the available evidence is currently insufficient to determine the role of this variant in disease. Therefore, it has been classified as a Variant of Uncertain Significance. Experimental studies and prediction algorithms are not available or were not evaluated, and the functional significance of this variant is currently unknown. ClinVar contains an entry for this variant (Variation ID: 1461453). This variant has not been reported in the literature in individuals affected with SCN11A-related conditions. This variant is present in population databases (rs761708451, gnomAD 0.002%).